The following is an entry in ClinVar:

NM_130384.3(ATRIP):c.217C>G (p.Gln73Glu)

Genes: ATRIP (ATR interacting protein; plus strand), ATRIP-TREX1 (ATRIP-TREX1 readthrough; plus strand). Cytogenetic location: 3p21.31.
Variant type: single nucleotide variant.
Coding change: c.217C>G on transcript NM_130384.3 (MANE Select); coding-DNA position 217, C replaced by G.
Protein change: p.Gln73Glu; replaces glutamine 73 with glutamic acid.
Molecular consequence: missense variant. On other transcripts: non-coding transcript variant (1), intron variant (1).
Genome position (GRCh38, 1-based): chr3:48,447,062, C>G. VCF-style: chr3-48447062-C-G. GRCh37 (hg19) VCF-style: chr3-48488466-C-G.
Other names: c.217C>G, p.Gln73Glu (NM_032166.4); c.-218+263C>G (NM_001271022.2); short protein forms Q73E.
Identifiers: ClinVar variation 4867246 (VCV004867246.1).

ClinVar aggregate classification (germline): Uncertain significance (1 of 4 stars; one submission).

gnomAD v4.1: 2 of 1,558,218 alleles (0.00013%); highest among the groups gnomAD compares: Non-Finnish European, 0.00017%; no homozygotes.

Submission:

Ambry Genetics
Classification: Uncertain significance. Last evaluated: 2026-05-18. Review status: criteria provided, single submitter. Criteria: Ambry Variant Classification Scheme 2023. Collection method: clinical testing. Allele origin: germline.
Comment: The p.Q73E variant (also known as c.217C>G), located in coding exon 1 of the ATRIP gene, results from a C to G substitution at nucleotide position 217. The glutamine at codon 73 is replaced by glutamic acid, an amino acid with highly similar properties. This amino acid position is conserved. In addition, this alteration is predicted to be tolerated by in silico analysis. Based on the available evidence, the clinical significance of this variant remains unclear.